The following is an entry in ClinVar:

NM_001953.5(TYMP):c.1226del (p.Ser409fs)

Genes: SCO2 (synthesis of cytochrome C oxidase 2; minus strand), TYMP (thymidine phosphorylase; minus strand), LOC130067862 (ATAC-STARR-seq lymphoblastoid silent region 13986; plus strand). Cytogenetic location: 22q13.33.
Variant type: Deletion.
Coding change: c.1226del on transcript NM_001953.5 (MANE Select); coding-DNA position 1226, one base deleted (G; older notation c.1226delG).
Protein change: p.Ser409fs; shifts the reading frame from serine 409.
Molecular consequence: frameshift variant. On other transcripts: 5 prime UTR variant (1), intron variant (1).
Genome position (GRCh38, 1-based): chr22:50,526,075, C deleted on the plus strand (G on the coding strand, the reverse complement: TYMP is on the minus strand). VCF-style (leftmost placement, unchanged base first): chr22-50526074-GC-G. GRCh37 (hg19) VCF-style: chr22-50964503-GC-G.
Other names: c.1226del, p.Ser409fs (NM_001113755.3, NM_001113756.3, NM_001257988.1); c.1241del, p.Ser414fs (NM_001257989.1); c.-88del (NM_001169110.1); c.-14+171del (NM_001169109.2); short protein forms S414fs, S409fs.
Identifiers: ClinVar variation 2699998 (VCV002699998.3), dbSNP rs2522506284, ClinGen allele CA2577766238.

ClinVar aggregate classification (germline): Pathogenic (1 of 4 stars; one submission).

Submission:

Labcorp Genetics (formerly Invitae), Labcorp
Classification: Pathogenic. Last evaluated: 2023-12-01. Review status: criteria provided, single submitter. Criteria: Invitae Variant Classification Sherloc (09022015). Collection method: clinical testing. Allele origin: germline.
Comment: This sequence change results in a frameshift in the TYMP gene (p.Ser409Thrfs*?). While this is not anticipated to result in nonsense mediated decay, it is expected to disrupt the last 74 amino acid(s) of the TYMP protein and extend the protein by an uncertain number of additional amino acid residues. This variant is not present in population databases (gnomAD no frequency). This variant has not been reported in the literature in individuals affected with TYMP-related conditions. This variant disrupts a region of the TYMP protein in which other variant(s) (p.Ser471*) have been determined to be pathogenic (PMID: 17437622). This suggests that this is a clinically significant region of the protein, and that variants that disrupt it are likely to be disease-causing. For these reasons, this variant has been classified as Pathogenic.

Literature cited by the submitters: PubMed 17437622.